The following is an entry in ClinVar:

NM_000117.3(EMD):c.525C>G (p.Ser175Arg)

Gene: EMD (emerin; plus strand). Cytogenetic location: Xq28.
Variant type: single nucleotide variant.
Coding change: c.525C>G on transcript NM_000117.3 (MANE Select); coding-DNA position 525, C replaced by G.
Protein change: p.Ser175Arg; replaces serine 175 with arginine.
Molecular consequence: missense variant.
Genome position (GRCh38, 1-based): chrX:154,380,957, C>G. VCF-style: chrX-154380957-C-G. GRCh37 (hg19) VCF-style: chrX-153609317-C-G.
Other names: short protein forms S175R.
Identifiers: ClinVar variation 1021146 (VCV001021146.7), dbSNP rs782367505, ClinGen allele CA415258697.

ClinVar aggregate classification (germline): Uncertain significance (1 of 4 stars; one submission).

Conditions:
X-linked Emery-Dreifuss muscular dystrophy. Also called: Muscular dystrophy, tardive Emery-Dreifuss type, with contractures. Identifiers: Orphanet 261, Orphanet 98863, MedGen C0751337, MONDO:0010680.

Submission:

Labcorp Genetics (formerly Invitae), Labcorp
Classification: Uncertain significance for X-linked Emery-Dreifuss muscular dystrophy. Last evaluated: 2025-12-19. Review status: criteria provided, single submitter. Criteria: Invitae Variant Classification Sherloc (09022015). Collection method: clinical testing. Allele origin: germline.
Comment: This sequence change replaces serine, which is neutral and polar, with arginine, which is basic and polar, at codon 175 of the EMD protein (p.Ser175Arg). This variant is not present in population databases (gnomAD no frequency). This variant has not been reported in the literature in individuals affected with EMD-related conditions. ClinVar contains an entry for this variant (Variation ID: 1021146). Invitae Evidence Modeling of protein sequence and biophysical properties (such as structural, functional, and spatial information, amino acid conservation, physicochemical variation, residue mobility, and thermodynamic stability) indicates that this missense variant is not expected to disrupt EMD protein function with a negative predictive value of 80%. In summary, the available evidence is currently insufficient to determine the role of this variant in disease. Therefore, it has been classified as a Variant of Uncertain Significance.